The following is an entry in ClinVar:

ClinVar aggregate classification (germline): Uncertain significance (1 of 4 stars; one submission).

Conditions:
Hereditary cancer-predisposing syndrome. Also called: Neoplastic Syndromes, Hereditary; Tumor predisposition; Hereditary Cancer Syndrome; Hereditary neoplastic syndrome. Identifiers: Orphanet 140162, MedGen C0027672, MeSH D009386, MONDO:0015356.

Submission:

Color Diagnostics, LLC DBA Color Health
Classification: Uncertain significance for Hereditary cancer-predisposing syndrome. Last evaluated: 2022-05-11. Review status: criteria provided, single submitter. Criteria: ACMG Guidelines, 2015. Collection method: clinical testing. Allele origin: germline.
Comment: This missense variant replaces serine with phenylalanine at codon 906 of the APC protein. Computational prediction suggests that this variant may not impact protein structure and function (internally defined REVEL score threshold <= 0.5, PMID: 27666373). To our knowledge, functional studies have not been reported for this variant. This variant has been reported in an individual affected with breast cancer (PMID: 26976419). This variant has not been identified in the general population by the Genome Aggregation Database (gnomAD). The available evidence is insufficient to determine the role of this variant in disease conclusively. Therefore, this variant is classified as a Variant of Uncertain Significance.

Literature cited by the submitters: PubMed 26976419.

NM_000038.6(APC):c.2717C>T (p.Ser906Phe)

Gene: APC (APC regulator of Wnt signaling pathway; plus strand). Cytogenetic location: 5q22.2.
Variant type: single nucleotide variant.
Coding change: c.2717C>T on transcript NM_000038.6 (MANE Select); coding-DNA position 2717, C replaced by T.
Protein change: p.Ser906Phe; replaces serine 906 with phenylalanine.
Molecular consequence: missense variant. On other transcripts: non-coding transcript variant (2).
Genome position (GRCh38, 1-based): chr5:112,838,311, C>T. VCF-style: chr5-112838311-C-T. GRCh37 (hg19) VCF-style: chr5-112174008-C-T.
Other names: c.2696C>T, p.Ser899Phe (NM_001407451.1); c.2687C>T, p.Ser896Phe (NM_001407452.1); c.2540C>T, p.Ser847Phe (NM_001407453.1, NM_001354901.2); c.2468C>T, p.Ser823Phe (NM_001407454.1, NM_001407455.1, NM_001407456.1 and 1 more transcripts); c.2414C>T, p.Ser805Phe (NM_001407458.1, NM_001407459.1, NM_001407460.1 and 1 more transcripts); c.2330C>T, p.Ser777Phe (NM_001407467.1, NM_001407469.1); c.1868C>T, p.Ser623Phe (NM_001407470.1, NM_001354906.2); c.1565C>T, p.Ser522Phe (NM_001407471.1, NM_001407472.1); and 11 more; short protein forms S746F, S888F, S899F, S780F, S823F, S847F, S881F, S924F.
Identifiers: ClinVar variation 2774863 (VCV002774863.2), dbSNP rs1554084407, ClinGen allele CA16027265.